The following is an entry in ClinVar:

NM_014055.4(IFT81):c.38A>G (p.Asn13Ser)

Gene: IFT81 (intraflagellar transport 81; plus strand). Cytogenetic location: 12q24.11.
Variant type: single nucleotide variant.
Coding change: c.38A>G on transcript NM_014055.4 (MANE Select); coding-DNA position 38, A replaced by G.
Protein change: p.Asn13Ser; replaces asparagine 13 with serine.
Molecular consequence: missense variant. On other transcripts: 5 prime UTR variant (2), non-coding transcript variant (4).
Genome position (GRCh38, 1-based): chr12:110,127,418, A>G. VCF-style: chr12-110127418-A-G. GRCh37 (hg19) VCF-style: chr12-110565223-A-G.
Other names: c.38A>G, p.Asn13Ser (NM_001143779.2, NM_001347946.2, NM_031473.4); c.-729A>G (NM_001347947.2, NM_001347948.2); short protein forms N13S.
Identifiers: ClinVar variation 1952973 (VCV001952973.5), dbSNP rs141707920, ClinGen allele CA6782978.

ClinVar aggregate classification (germline): Uncertain significance (1 of 4 stars; one submission).

Allele frequency attached by ClinVar (database versions not stated): gnomAD 0.00001; ExAC 0.00003; ESP Exome Variant Server 0.00008; 1000 Genomes Project 30x 0.00016; 1000 Genomes Project 0.00020.
gnomAD v4.1: 5 of 1,605,162 alleles (0.00031%); highest among the groups gnomAD compares: Admixed American, 0.0034%; no homozygotes.

Submission:

Labcorp Genetics (formerly Invitae), Labcorp
Classification: Uncertain significance. Last evaluated: 2024-10-26. Review status: criteria provided, single submitter. Criteria: Invitae Variant Classification Sherloc (09022015). Collection method: clinical testing. Allele origin: germline.
Comment: This sequence change replaces asparagine, which is neutral and polar, with serine, which is neutral and polar, at codon 13 of the IFT81 protein (p.Asn13Ser). This variant is present in population databases (rs141707920, gnomAD 0.003%). This variant has not been reported in the literature in individuals affected with IFT81-related conditions. ClinVar contains an entry for this variant (Variation ID: 1952973). Invitae Evidence Modeling of protein sequence and biophysical properties (such as structural, functional, and spatial information, amino acid conservation, physicochemical variation, residue mobility, and thermodynamic stability) indicates that this missense variant is not expected to disrupt IFT81 protein function with a negative predictive value of 80%. In summary, the available evidence is currently insufficient to determine the role of this variant in disease. Therefore, it has been classified as a Variant of Uncertain Significance.